The following is an entry in ClinVar:

NM_004183.4(BEST1):c.1560T>A (p.Asp520Glu)

Gene: BEST1 (bestrophin 1; plus strand). Cytogenetic location: 11q12.3.
Variant type: single nucleotide variant.
Coding change: c.1560T>A on transcript NM_004183.4 (MANE Select); coding-DNA position 1560, T replaced by A.
Protein change: p.Asp520Glu; replaces aspartic acid 520 with glutamic acid.
Molecular consequence: missense variant. On other transcripts: non-coding transcript variant (1).
Genome position (GRCh38, 1-based): chr11:61,962,714, T>A. VCF-style: chr11-61962714-T-A. GRCh37 (hg19) VCF-style: chr11-61730186-T-A.
Other names: c.1380T>A, p.Asp460Glu (NM_001139443.3, NM_001300787.2); c.1299T>A, p.Asp433Glu (NM_001300786.2); c.1242T>A, p.Asp414Glu (NM_001363591.3); c.*455T>A (NM_001363592.2); c.588T>A, p.Asp196Glu (NM_001363593.3); short protein forms D460E, D196E, D414E, D433E, D520E.
Identifiers: ClinVar variation 953301 (VCV000953301.9), dbSNP rs138689602, ClinGen allele CA380849608.

ClinVar aggregate classification (germline): Uncertain significance (1 of 4 stars; one submission).

Submission:

Labcorp Genetics (formerly Invitae), Labcorp
Classification: Uncertain significance. Last evaluated: 2022-02-04. Review status: criteria provided, single submitter. Criteria: Invitae Variant Classification Sherloc (09022015). Collection method: clinical testing. Allele origin: germline.
Comment: This sequence change replaces aspartic acid, which is acidic and polar, with glutamic acid, which is acidic and polar, at codon 520 of the BEST1 protein (p.Asp520Glu). In summary, the available evidence is currently insufficient to determine the role of this variant in disease. Therefore, it has been classified as a Variant of Uncertain Significance. Advanced modeling of protein sequence and biophysical properties (such as structural, functional, and spatial information, amino acid conservation, physicochemical variation, residue mobility, and thermodynamic stability) performed at Invitae indicates that this missense variant is not expected to disrupt BEST1 protein function. ClinVar contains an entry for this variant (Variation ID: 953301). This variant has not been reported in the literature in individuals affected with BEST1-related conditions. This variant is not present in population databases (gnomAD no frequency).